The following is an entry in ClinVar:

ClinVar aggregate classification (germline): Pathogenic/Likely pathogenic. Review status: criteria provided, multiple submitters, no conflicts (2 of 4 stars). 3 submissions from 3 submitters: Pathogenic (1); Likely pathogenic (1). 1 of the submissions does not count toward it. Last evaluated 2025-07-17.

Conditions:
Hereditary cancer-predisposing syndrome. Also called: Hereditary Cancer Syndrome; Hereditary neoplastic syndrome; Tumor predisposition; Neoplastic Syndromes, Hereditary. Identifiers: Orphanet 140162, MedGen C0027672, MeSH D009386, MONDO:0015356.
Familial adenomatous polyposis 1 (FAP1). Also called: FAMILIAL ADENOMATOUS POLYPOSIS 1, ATTENUATED; POLYPOSIS, ADENOMATOUS INTESTINAL. Identifiers: MedGen C2713442, MONDO:0021056, OMIM 175100. Disease mechanism: loss of function.

Submissions (3):

Ambry Genetics
Classification: Likely pathogenic for Hereditary cancer-predisposing syndrome. Last evaluated: 2025-07-17. Review status: criteria provided, single submitter. Criteria: Ambry Variant Classification Scheme 2023. Collection method: clinical testing. Allele origin: germline.
Comment: The p.S1890* variant (also known as c.5669C>G), located in coding exon 15 of the APC gene, results from a C to G substitution at nucleotide position 5669. This changes the amino acid from a serine to a stop codon within coding exon 15. This alteration occurs at the 3' terminus of the APC gene, is not expected to trigger nonsense-mediated mRNA decay, and impacts the last 33% of the protein. However, premature stop codons are typically deleterious in nature, the impacted region is critical for protein function, and a significant portion of the protein is affected (Ambry internal data). This variant is considered to be rare based on population cohorts in the Genome Aggregation Database (gnomAD). Based on the supporting evidence, this variant is interpreted as a disease-causing mutation.

Myriad Genetics, Inc.
Classification: Pathogenic for Familial adenomatous polyposis 1. Last evaluated: 2023-02-13. Review status: criteria provided, single submitter. Criteria: Myriad Autosomal Dominant, Autosomal Recessive and X-Linked Classification Criteria (2023). Collection method: clinical testing. Allele origin: unknown.
Comment: This variant is considered pathogenic. This variant creates a termination codon and is predicted to result in premature protein truncation.

Counsyl
Classification: Likely pathogenic for Familial adenomatous polyposis 1. Last evaluated: 2017-10-25. Review status: no assertion criteria provided. Collection method: clinical testing. Allele origin: unknown. Not counted in ClinVar's aggregate classification.

NM_000038.6(APC):c.5669C>G (p.Ser1890Ter)

Gene: APC (APC regulator of Wnt signaling pathway; plus strand). Cytogenetic location: 5q22.2.
Variant type: single nucleotide variant.
Coding change: c.5669C>G on transcript NM_000038.6 (MANE Select); coding-DNA position 5669, C replaced by G.
Protein change: p.Ser1890Ter; replaces serine 1890 with a stop codon.
Molecular consequence: nonsense.
Genome position (GRCh38, 1-based): chr5:112,841,263, C>G. VCF-style: chr5-112841263-C-G. GRCh37 (hg19) VCF-style: chr5-112176960-C-G.
Other names: c.5669C>G, p.Ser1890Ter (NM_001127510.3, NM_001354895.2); c.5615C>G, p.Ser1872Ter (NM_001127511.3); c.5723C>G, p.Ser1908Ter (NM_001354896.2); c.5699C>G, p.Ser1900Ter (NM_001354897.2); c.5594C>G, p.Ser1865Ter (NM_001354898.2); c.5585C>G, p.Ser1862Ter (NM_001354899.2); c.5546C>G, p.Ser1849Ter (NM_001354900.2); c.5492C>G, p.Ser1831Ter (NM_001354901.2); and 5 more; short protein forms S1872*, S1890*, S1607*, S1799*, S1900*, S1862*, S1730*, S1764*.
Identifiers: ClinVar variation 548803 (VCV000548803.4), dbSNP rs1554086862, ClinGen allele CA16033747.